The following is an entry in ClinVar:

ClinVar aggregate classification (germline): Uncertain significance (1 of 4 stars; one submission).

Conditions:
Warts, hypogammaglobulinemia, infections, and myelokathexis. Also called: WHIM syndrome. Identifiers: MedGen C0472817, MONDO:0023880.

Allele frequency attached by ClinVar (database versions not stated): TOPMed 0.00004; gnomAD 0.00005.
gnomAD v4.1: 12 of 1,613,980 alleles (0.00074%); highest among the groups gnomAD compares: African/African-American, 0.013%; no homozygotes.

Submission:

Labcorp Genetics (formerly Invitae), Labcorp
Classification: Uncertain significance for Warts, hypogammaglobulinemia, infections, and myelokathexis. Last evaluated: 2022-11-09. Review status: criteria provided, single submitter. Criteria: Invitae Variant Classification Sherloc (09022015). Collection method: clinical testing. Allele origin: germline.
Comment: In summary, the available evidence is currently insufficient to determine the role of this variant in disease. Therefore, it has been classified as a Variant of Uncertain Significance. Algorithms developed to predict the effect of missense changes on protein structure and function (SIFT, PolyPhen-2, Align-GVGD) all suggest that this variant is likely to be disruptive. This variant has not been reported in the literature in individuals affected with CXCR4-related conditions. This variant is present in population databases (no rsID available, gnomAD 0.02%). This sequence change replaces cysteine, which is neutral and slightly polar, with serine, which is neutral and polar, at codon 218 of the CXCR4 protein (p.Cys218Ser).

NM_003467.3(CXCR4):c.653G>C (p.Cys218Ser)

Gene: CXCR4 (C-X-C motif chemokine receptor 4; minus strand). Cytogenetic location: 2q22.1.
Variant type: single nucleotide variant.
Coding change: c.653G>C on transcript NM_003467.3 (MANE Select); coding-DNA position 653, G replaced by C.
Protein change: p.Cys218Ser; replaces cysteine 218 with serine.
Molecular consequence: missense variant.
Genome position (GRCh38, 1-based): chr2:136,115,275, C>G on the plus strand (G>C on the coding strand, the complement: CXCR4 is on the minus strand). VCF-style: chr2-136115275-C-G. GRCh37 (hg19) VCF-style: chr2-136872845-C-G.
Other names: c.752G>C, p.Cys251Ser (NM_001348059.2); c.608G>C, p.Cys203Ser (NM_001348060.2); c.665G>C, p.Cys222Ser (NM_001008540.2); c.866G>C, p.Cys289Ser (NM_001348056.2); short protein forms C222S, C251S, C203S, C289S, C218S.
Identifiers: ClinVar variation 2908012 (VCV002908012.3), dbSNP rs756207760, ClinGen allele CA56886492.